The following is an entry in ClinVar:

ClinVar aggregate classification (germline): Uncertain significance (1 of 4 stars; one submission).

Allele frequency attached by ClinVar (database versions not stated): gnomAD exomes below 0.00001; ExAC 0.00001; gnomAD 0.00001; TOPMed 0.00001.
gnomAD v4.1: 146 of 1,613,810 alleles (0.009%); highest among the groups gnomAD compares: Non-Finnish European, 0.012%; no homozygotes.

Submission:

Labcorp Genetics (formerly Invitae), Labcorp
Classification: Uncertain significance. Last evaluated: 2022-07-26. Review status: criteria provided, single submitter. Criteria: Invitae Variant Classification Sherloc (09022015). Collection method: clinical testing. Allele origin: germline.
Comment: This sequence change replaces aspartic acid, which is acidic and polar, with tyrosine, which is neutral and polar, at codon 1625 of the KIAA1549 protein (p.Asp1625Tyr). This variant is present in population databases (rs768672940, gnomAD 0.002%). This variant has not been reported in the literature in individuals affected with KIAA1549-related conditions. ClinVar contains an entry for this variant (Variation ID: 1363805). Algorithms developed to predict the effect of missense changes on protein structure and function (SIFT, PolyPhen-2, Align-GVGD) all suggest that this variant is likely to be disruptive. In summary, the available evidence is currently insufficient to determine the role of this variant in disease. Therefore, it has been classified as a Variant of Uncertain Significance.

NM_001164665.2(KIAA1549):c.4873G>T (p.Asp1625Tyr)

Gene: KIAA1549 (KIAA1549; minus strand). Cytogenetic location: 7q34.
Variant type: single nucleotide variant.
Coding change: c.4873G>T on transcript NM_001164665.2 (MANE Select); coding-DNA position 4873, G replaced by T.
Protein change: p.Asp1625Tyr; replaces aspartic acid 1625 with tyrosine.
Molecular consequence: missense variant.
Genome position (GRCh38, 1-based): chr7:138,868,031, C>A on the plus strand (G>T on the coding strand, the complement: KIAA1549 is on the minus strand). VCF-style: chr7-138868031-C-A. GRCh37 (hg19) VCF-style: chr7-138552777-C-A.
Other names: c.4873G>T, p.Asp1625Tyr (NM_020910.3); short protein forms D1625Y.
Identifiers: ClinVar variation 1363805 (VCV001363805.3), dbSNP rs768672940, ClinGen allele CA4505728.